The following is an entry in ClinVar:

NM_004360.5(CDH1):c.1856T>C (p.Leu619Pro)

Gene: CDH1 (cadherin 1; plus strand). Cytogenetic location: 16q22.1.
Variant type: single nucleotide variant.
Coding change: c.1856T>C on transcript NM_004360.5 (MANE Select); coding-DNA position 1856, T replaced by C.
Protein change: p.Leu619Pro; replaces leucine 619 with proline.
Molecular consequence: missense variant. On other transcripts: 5 prime UTR variant (1).
Genome position (GRCh38, 1-based): chr16:68,822,145, T>C. VCF-style: chr16-68822145-T-C. GRCh37 (hg19) VCF-style: chr16-68856048-T-C.
Other names: c.1673T>C, p.Leu558Pro (NM_001317184.2); c.308T>C, p.Leu103Pro (NM_001317185.2); c.-110T>C (NM_001317186.2); short protein forms L558P, L619P, L103P.
Identifiers: ClinVar variation 3653563 (VCV003653563.2).

ClinVar aggregate classification (germline): Uncertain significance (1 of 4 stars; one submission).

Conditions:
Hereditary diffuse gastric adenocarcinoma (HDGC). Also called: DIFFUSE GASTRIC AND LOBULAR BREAST CANCER SYNDROME. Identifiers: Orphanet 26106, MedGen C1708349, MONDO:0007648, OMIM 137215.

Submission:

Labcorp Genetics (formerly Invitae), Labcorp
Classification: Uncertain significance for Hereditary diffuse gastric adenocarcinoma. Last evaluated: 2024-05-16. Review status: criteria provided, single submitter. Criteria: Invitae Variant Classification Sherloc (09022015). Collection method: clinical testing. Allele origin: germline.
Comment: This sequence change replaces leucine, which is neutral and non-polar, with proline, which is neutral and non-polar, at codon 619 of the CDH1 protein (p.Leu619Pro). This variant is not present in population databases (gnomAD no frequency). This variant has not been reported in the literature in individuals affected with CDH1-related conditions. An algorithm developed to predict the effect of missense changes on protein structure and function (PolyPhen-2) suggests that this variant is likely to be tolerated. In summary, the available evidence is currently insufficient to determine the role of this variant in disease. Therefore, it has been classified as a Variant of Uncertain Significance.